The following is an entry in ClinVar:

GRCh37/hg19 5q32(chr5:144614507-145878493)x1

Genes: GRXCR2 (glutaredoxin and cysteine rich domain containing 2; minus strand), LARS1 (leucyl-tRNA synthetase 1; minus strand), PLAC8L1 (PLAC8 like 1; minus strand), POU4F3 (POU class 4 homeobox 3; plus strand), PRELID2 (PRELI domain containing 2; minus strand) and 3 more. Cytogenetic location: 5q32.
Variant type: copy number loss.
Change: copy number 1 (one copy instead of two) of chr5:144,614,507-145,878,493 (1.26 Mb, GRCh37 coordinates, 1-based), cytogenetic band 5q32.
Identifiers: ClinVar variation 4682638 (VCV004682638.1).

ClinVar aggregate classification (germline): Pathogenic (1 of 4 stars; one submission).

Submission:

Quest Diagnostics Nichols Institute San Juan Capistrano
Classification: Pathogenic. Last evaluated: 2025-06-14. Review status: criteria provided, single submitter. Criteria: ACMG/ClinGen CNV Guidelines, 2019. Collection method: clinical testing. Allele origin: unknown.
Comment: This deletion involves at least eight protein-coding genes, including POU4F3 (OMIM 602460). Haploinsufficiency of POU4F3 is associated with autosomal dominant deafness 15 (CCID:007700; OMIM 602459). There are no similar copy number losses of this region in the general populations of the Database of Genomic Variants. Thus, based on current medical literature and gene content, this copy number variant (CNV) is classified as pathogenic.